The following is an entry in ClinVar:

ClinVar aggregate classification (germline): Uncertain significance. Review status: criteria provided, multiple submitters, no conflicts (2 of 4 stars). 4 submissions from 4 submitters: Uncertain significance (4). Last evaluated 2025-08-26.

Conditions:
Vitamin D-dependent rickets, type 1A. Also called: PDDR IA; PSEUDOVITAMIN D-DEFICIENCY RICKETS, TYPE IA; VITAMIN D HYDROXYLATION-DEFICIENT RICKETS, TYPE 1A. Identifiers: MedGen CN283242, MONDO:0020723, OMIM 264700.
Inborn genetic diseases. Identifiers: MedGen C0950123, MeSH D030342.

Submissions (4):

Ambry Genetics
Classification: Uncertain significance for Inborn genetic diseases. Last evaluated: 2025-08-26. Review status: criteria provided, single submitter. Criteria: Ambry Variant Classification Scheme 2023. Collection method: clinical testing. Allele origin: germline.

Labcorp Genetics (formerly Invitae), Labcorp
Classification: Uncertain significance. Last evaluated: 2024-08-27. Review status: criteria provided, single submitter. Criteria: Invitae Variant Classification Sherloc (09022015). Collection method: clinical testing. Allele origin: germline.
Comment: This sequence change replaces leucine, which is neutral and non-polar, with valine, which is neutral and non-polar, at codon 202 of the CYP27B1 protein (p.Leu202Val). This variant is present in population databases (rs745571910, gnomAD 0.003%). This variant has not been reported in the literature in individuals affected with CYP27B1-related conditions. Invitae Evidence Modeling of protein sequence and biophysical properties (such as structural, functional, and spatial information, amino acid conservation, physicochemical variation, residue mobility, and thermodynamic stability) indicates that this missense variant is not expected to disrupt CYP27B1 protein function with a negative predictive value of 80%. In summary, the available evidence is currently insufficient to determine the role of this variant in disease. Therefore, it has been classified as a Variant of Uncertain Significance.

Fulgent Genetics
Classification: Uncertain significance for Vitamin D-dependent rickets, type 1A. Last evaluated: 2024-03-04. Review status: criteria provided, single submitter. Criteria: ACMG Guidelines, 2015. Collection method: clinical testing. Allele origin: germline.

Department of Pathology and Laboratory Medicine, Sinai Health System
Classification: Uncertain significance for vitamin D-dependent rickets, type 1A. Last evaluated: 2022-06-02. Review status: criteria provided, single submitter. Criteria: ACMG Guidelines, 2015. Collection method: research. Allele origin: germline.

NM_000785.4(CYP27B1):c.604C>G (p.Leu202Val)

Gene: CYP27B1 (cytochrome P450 family 27 subfamily B member 1; minus strand). Cytogenetic location: 12q14.1.
Variant type: single nucleotide variant.
Coding change: c.604C>G on transcript NM_000785.4 (MANE Select); coding-DNA position 604, C replaced by G.
Protein change: p.Leu202Val; replaces leucine 202 with valine.
Molecular consequence: missense variant.
Genome position (GRCh38, 1-based): chr12:57,765,197, G>C on the plus strand (C>G on the coding strand, the complement: CYP27B1 is on the minus strand). VCF-style: chr12-57765197-G-C. GRCh37 (hg19) VCF-style: chr12-58158980-G-C.
Other names: c.604C>G (NM_000785.3); short protein forms L202V.
Identifiers: ClinVar variation 3575037 (VCV003575037.5).